The following is an entry in ClinVar:

ClinVar aggregate classification (germline): Uncertain significance (1 of 4 stars; one submission).

gnomAD v4.1: 1 of 1,611,134 alleles (0.000062%); highest among the groups gnomAD compares: Admixed American, 0.0017%; no homozygotes.

Submission:

GeneDx
Classification: Uncertain significance. Last evaluated: 2026-04-23. Review status: criteria provided, single submitter. Criteria: GeneDx Variant Classification Process June 2021. Collection method: clinical testing. Allele origin: germline.
Comment: Not observed at significant frequency in large population cohorts (gnomAD); In silico analysis suggests that this missense variant does not alter protein structure/function; Has not been previously published as pathogenic or benign to our knowledge

NM_014727.3(KMT2B):c.2341G>C (p.Gly781Arg)

Gene: KMT2B (lysine methyltransferase 2B; plus strand). Cytogenetic location: 19q13.12.
Variant type: single nucleotide variant.
Coding change: c.2341G>C on transcript NM_014727.3 (MANE Select); coding-DNA position 2341, G replaced by C.
Protein change: p.Gly781Arg; replaces glycine 781 with arginine.
Molecular consequence: missense variant.
Genome position (GRCh38, 1-based): chr19:35,721,688, G>C. VCF-style: chr19-35721688-G-C. GRCh37 (hg19) VCF-style: chr19-36212590-G-C.
Other names: short protein forms G781R.
Identifiers: ClinVar variation 5037610 (VCV005037610.1).